The following is an entry in ClinVar:

NM_000540.3(RYR1):c.3122C>T (p.Ala1041Val)

Gene: RYR1 (ryanodine receptor 1; plus strand). Cytogenetic location: 19q13.2.
Variant type: single nucleotide variant.
Coding change: c.3122C>T on transcript NM_000540.3 (MANE Select); coding-DNA position 3122, C replaced by T.
Protein change: p.Ala1041Val; replaces alanine 1041 with valine.
Molecular consequence: missense variant.
Genome position (GRCh38, 1-based): chr19:38,466,342, C>T. VCF-style: chr19-38466342-C-T. GRCh37 (hg19) VCF-style: chr19-38956982-C-T.
Other names: c.3122C>T, p.Ala1041Val (NM_001042723.2); short protein forms A1041V.
Identifiers: ClinVar variation 3071318 (VCV003071318.2), dbSNP rs775141717, ClinGen allele CA064438.

ClinVar aggregate classification (germline): Uncertain significance. Review status: criteria provided, multiple submitters, no conflicts (2 of 4 stars). 2 submissions from 2 submitters: Uncertain significance (2). Last evaluated 2025-07-16.

Conditions:
Malignant hyperthermia, susceptibility to, 1 (MHS1). Also called: Anesthesia related hyperthermia; Malignant hyperpyrexia; Fulminating hyperpyrexia; Pharmacogenic myopathy; RYR1-Related Malignant Hyperthermia Susceptibility; Malignant hyperthermia suceptibility 1. Identifiers: Orphanet 423, MedGen C2930980, MONDO:0007783, OMIM 145600.

Allele frequency attached by ClinVar (database versions not stated): gnomAD exomes below 0.00001; gnomAD 0.00001; TOPMed 0.00002.
gnomAD v4.1: 3 of 1,594,306 alleles (0.00019%); highest among the groups gnomAD compares: Non-Finnish European, 0.00026%; no homozygotes.

Submissions (2):

GeneDx
Classification: Uncertain significance. Last evaluated: 2025-07-16. Review status: criteria provided, single submitter. Criteria: GeneDx Variant Classification Process June 2021. Collection method: clinical testing. Allele origin: germline. Affected: yes.
Comment: Not observed at significant frequency in large population cohorts (gnomAD); In silico analysis supports that this missense variant has a deleterious effect on protein structure/function; Has not been previously published as pathogenic or benign to our knowledge

All of Us Research Program, National Institutes of Health
Classification: Uncertain significance for Malignant hyperthermia, susceptibility to, 1. Last evaluated: 2023-05-30. Review status: criteria provided, single submitter. Criteria: ACMG Guidelines, 2015. Collection method: clinical testing. Allele origin: germline. Inheritance: Autosomal dominant inheritance. Observed: 1 variant allele, 1 heterozygote.
Comment: This missense variant replaces alanine with valine at codon 1041 of the RYR1 protein. Computational prediction is inconclusive regarding the impact of this variant on protein structure and function (internally defined REVEL score threshold 0.5 < inconclusive < 0.7, PMID: 27666373). To our knowledge, functional studies have not been reported for this variant. This variant has not been reported in individuals affected with RYR1-related disorders in the literature. This variant has been identified in 1/208270 chromosomes in the general population by the Genome Aggregation Database (gnomAD). The available evidence is insufficient to determine the role of this variant in disease conclusively. Therefore, this variant is classified as a Variant of Uncertain Significance.

This study involves interpretation of variants in research participants for the purpose of population health screening. Participant phenotype was not available at the time of variant classification. Additional details can be found in publication PMID: 35346344, PMCID: PMC8962531